The following is an entry in ClinVar:

NM_001375524.1(TRRAP):c.8458A>G (p.Ile2820Val)

Gene: TRRAP (transformation/transcription domain associated protein; plus strand). Cytogenetic location: 7q22.1.
Variant type: single nucleotide variant.
Coding change: c.8458A>G on transcript NM_001375524.1 (MANE Select); coding-DNA position 8458, A replaced by G.
Protein change: p.Ile2820Val; replaces isoleucine 2820 with valine.
Molecular consequence: missense variant.
Genome position (GRCh38, 1-based): chr7:98,978,283, A>G. VCF-style: chr7-98978283-A-G. GRCh37 (hg19) VCF-style: chr7-98575906-A-G.
Other names: c.8383A>G (NM_003496.3); c.8437A>G (NM_001244580.1); c.8437A>G, p.Ile2813Val (NM_001244580.2); c.8383A>G, p.Ile2795Val (NM_003496.4); short protein forms I2795V, I2813V, I2820V.
Identifiers: ClinVar variation 2657710 (VCV002657710.28), dbSNP rs140534199, ClinGen allele CA4361453.

ClinVar aggregate classification (germline): Conflicting classifications of pathogenicity. Review status: criteria provided, conflicting classifications (1 of 4 stars). 4 submissions from 4 submitters: Uncertain significance (2); Likely benign (2). Last evaluated 2025-08-20.

Conditions:
Inborn genetic diseases. Identifiers: MedGen C0950123, MeSH D030342.

Allele frequency attached by ClinVar (database versions not stated): TOPMed 0.00002; ExAC 0.00003; gnomAD 0.00003; gnomAD exomes 0.00003; 1000 Genomes Project 30x 0.00016; 1000 Genomes Project 0.00020.
gnomAD v4.1: 57 of 1,614,192 alleles (0.0035%); highest among the groups gnomAD compares: Non-Finnish European, 0.0041%; 1 homozygote.

Submissions (4):

Ambry Genetics
Classification: Likely benign for Inborn genetic diseases. Last evaluated: 2025-08-20. Review status: criteria provided, single submitter. Criteria: Ambry Variant Classification Scheme 2023. Collection method: clinical testing. Allele origin: germline.

Labcorp Genetics (formerly Invitae), Labcorp
Classification: Uncertain significance. Last evaluated: 2024-08-05. Review status: criteria provided, single submitter. Criteria: Invitae Variant Classification Sherloc (09022015). Collection method: clinical testing. Allele origin: germline.
Comment: This sequence change replaces isoleucine, which is neutral and non-polar, with valine, which is neutral and non-polar, at codon 2795 of the TRRAP protein (p.Ile2795Val). This variant is present in population databases (rs140534199, gnomAD 0.005%). This variant has not been reported in the literature in individuals affected with TRRAP-related conditions. ClinVar contains an entry for this variant (Variation ID: 2657710). Advanced modeling of protein sequence and biophysical properties (such as structural, functional, and spatial information, amino acid conservation, physicochemical variation, residue mobility, and thermodynamic stability) performed at Invitae indicates that this missense variant is not expected to disrupt TRRAP protein function with a negative predictive value of 80%. In summary, the available evidence is currently insufficient to determine the role of this variant in disease. Therefore, it has been classified as a Variant of Uncertain Significance.

Revvity Omics, Revvity
Classification: Uncertain significance. Last evaluated: 2023-07-27. Review status: criteria provided, single submitter. Criteria: ACMG Guidelines, 2015. Collection method: clinical testing. Allele origin: germline.

CeGaT Center for Human Genetics Tuebingen
Classification: Likely benign. Last evaluated: 2023-04-01. Review status: criteria provided, single submitter. Criteria: CeGaT Center For Human Genetics Tuebingen Variant Classification Criteria Version 2. Collection method: clinical testing. Allele origin: germline. Affected: yes. Observed: 1 variant allele.
Comment: TRRAP: BP4, BS1